The following is an entry in ClinVar:

ClinVar aggregate classification (germline): Uncertain significance (1 of 4 stars; one submission).

Conditions:
Severe combined immunodeficiency, autosomal recessive, T cell-negative, B cell-negative, NK cell-positive. Also called: SCID, T CELL-NEGATIVE, B CELL-NEGATIVE, NK CELL-POSITIVE; SCID, AR, T-cell negative, B-cell negative, NK cell-positive; Severe combined immunodeficiency due to complete RAG1/2 deficiency. Identifiers: Orphanet 331206, MedGen C1832322, MONDO:0011086, OMIM 601457.
Combined immunodeficiency with skin granulomas. Identifiers: Orphanet 157949, MedGen C2673536, MONDO:0009306, OMIM 233650.

Allele frequency attached by ClinVar (database versions not stated): gnomAD 0.00001.

Submission:

Labcorp Genetics (formerly Invitae), Labcorp
Classification: Uncertain significance for Combined immunodeficiency with skin granulomas; Severe combined immunodeficiency, autosomal recessive, T cell-negative, B cell-negative, NK cell-positive. Last evaluated: 2021-08-30. Review status: criteria provided, single submitter. Criteria: Invitae Variant Classification Sherloc (09022015). Collection method: clinical testing. Allele origin: germline.
Comment: This sequence change replaces proline with serine at codon 42 of the RAG1 protein (p.Pro42Ser). The proline residue is highly conserved and there is a moderate physicochemical difference between proline and serine. This variant is not present in population databases (ExAC no frequency). This variant has not been reported in the literature in individuals affected with RAG1-related conditions. Advanced modeling of protein sequence and biophysical properties (such as structural, functional, and spatial information, amino acid conservation, physicochemical variation, residue mobility, and thermodynamic stability) performed at Invitae indicates that this missense variant is not expected to disrupt RAG1 protein function. In summary, the available evidence is currently insufficient to determine the role of this variant in disease. Therefore, it has been classified as a Variant of Uncertain Significance.

NM_000448.3(RAG1):c.124C>T (p.Pro42Ser)

Gene: RAG1 (recombination activating 1; plus strand). Cytogenetic location: 11p12.
Variant type: single nucleotide variant.
Coding change: c.124C>T on transcript NM_000448.3 (MANE Select); coding-DNA position 124, C replaced by T.
Protein change: p.Pro42Ser; replaces proline 42 with serine.
Molecular consequence: missense variant.
Genome position (GRCh38, 1-based): chr11:36,573,428, C>T. VCF-style: chr11-36573428-C-T. GRCh37 (hg19) VCF-style: chr11-36594978-C-T.
Other names: c.124C>T, p.Pro42Ser (NM_001377277.1, NM_001377278.1, NM_001377279.1 and 1 more transcripts); short protein forms P42S.
Identifiers: ClinVar variation 1007126 (VCV001007126.6), dbSNP rs1338238826, ClinGen allele CA380145631.